The following is an entry in ClinVar:

NM_002180.3(IGHMBP2):c.2608A>G (p.Lys870Glu)

Gene: IGHMBP2 (immunoglobulin mu DNA binding protein 2; plus strand). Cytogenetic location: 11q13.3.
Variant type: single nucleotide variant.
Coding change: c.2608A>G on transcript NM_002180.3 (MANE Select); coding-DNA position 2608, A replaced by G.
Protein change: p.Lys870Glu; replaces lysine 870 with glutamic acid.
Molecular consequence: missense variant.
Genome position (GRCh38, 1-based): chr11:68,937,088, A>G. VCF-style: chr11-68937088-A-G. GRCh37 (hg19) VCF-style: chr11-68704556-A-G.
Other names: short protein forms K870E.
Identifiers: ClinVar variation 940846 (VCV000940846.11), dbSNP rs374632016, ClinGen allele CA6153947.
Genomic context (GRCh38, chr11:68,937,088, plus strand): 5'-AGCAAGGAGCAGCAGGCCTCAGGGCAGCAGAAACTTCCAGAAAAGAAAAAGAAAAAAGCC[A>G]AAGGTAAGTCAACTAATAAGAACTTGGGGCAGTGTCCCCTCACTGGGGTGCTGGCCCCAC-3'
Protein context (NP_002171.2, residues 860-880): KLPEKKKKKA[Lys870Glu]GHPATDLPTE

ClinVar aggregate classification (germline): Conflicting classifications of pathogenicity. Review status: criteria provided, conflicting classifications (1 of 4 stars). 3 submissions from 3 submitters: Uncertain significance (2); Likely benign (1). Last evaluated 2026-04-01.

Conditions:
Inborn genetic diseases. Identifiers: MedGen C0950123, MeSH D030342.
IGHMBP2-related disorder. Also called: IGHMBP2-related condition; IGHMBP2-related disorders.
Charcot-Marie-Tooth disease axonal type 2S. Also called: CHARCOT-MARIE-TOOTH NEUROPATHY, TYPE 2S; CHARCOT-MARIE-TOOTH DISEASE, AXONAL, AUTOSOMAL RECESSIVE, TYPE 2S. Identifiers: Orphanet 443073, MedGen C4015349, MONDO:0014511, OMIM 616155.
Autosomal recessive distal spinal muscular atrophy 1. Also called: NEURONOPATHY, SEVERE INFANTILE AXONAL, WITH RESPIRATORY FAILURE; SEVERE INFANTILE AXONAL NEUROPATHY WITH RESPIRATORY FAILURE; SPINAL MUSCULAR ATROPHY, DIAPHRAGMATIC; Spinal muscular atrophy with respiratory distress 1; NEURONOPATHY, DISTAL HEREDITARY MOTOR, HARDING TYPE VI; NEUROPATHY, DISTAL HEREDITARY MOTOR, AUTOSOMAL RECESSIVE 1. Identifiers: Orphanet 98920, MedGen C1858517, MONDO:0011436, OMIM 604320.

Allele frequency attached by ClinVar (database versions not stated): gnomAD exomes 0.00001 and 0.00004; ExAC 0.00002; ESP Exome Variant Server 0.00008; TOPMed 0.00011; gnomAD 0.00012 and 0.00013.
gnomAD v4.1: 31 of 1,597,256 alleles (0.0019%); highest among the groups gnomAD compares: African/African-American, 0.035%; no homozygotes.

Submissions (3):

PreventionGenetics, part of Exact Sciences
Classification: Uncertain significance for IGHMBP2-related condition. Last evaluated: 2026-04-01. Review status: criteria provided, single submitter. Criteria: ACMG Guidelines, 2015. Collection method: clinical testing. Allele origin: germline.
Comment: The IGHMBP2 c.2608A>G variant is predicted to result in the amino acid substitution p.Lys870Glu. To our knowledge, this variant has not been reported in the literature. This variant is reported in 0.049% of alleles in individuals of African descent in gnomAD. At this time, the clinical significance of this variant is uncertain due to the absence of conclusive functional and genetic evidence.

Labcorp Genetics (formerly Invitae), Labcorp
Classification: Likely benign for Autosomal recessive distal spinal muscular atrophy 1; Charcot-Marie-Tooth disease axonal type 2S. Last evaluated: 2023-12-30. Review status: criteria provided, single submitter. Criteria: Invitae Variant Classification Sherloc (09022015). Collection method: clinical testing. Allele origin: germline.

Ambry Genetics
Classification: Uncertain significance for Inborn genetic diseases. Last evaluated: 2021-12-06. Review status: criteria provided, single submitter. Criteria: Ambry Variant Classification Scheme 2023. Collection method: clinical testing. Allele origin: germline.